The following is an entry in ClinVar:

NM_002226.5(JAG2):c.2057G>A (p.Arg686His)

Gene: JAG2 (jagged canonical Notch ligand 2; minus strand). Cytogenetic location: 14q32.33.
Variant type: single nucleotide variant.
Coding change: c.2057G>A on transcript NM_002226.5 (MANE Select); coding-DNA position 2057, G replaced by A.
Protein change: p.Arg686His; replaces arginine 686 with histidine.
Molecular consequence: missense variant.
Genome position (GRCh38, 1-based): chr14:105,148,403, C>T on the plus strand (G>A on the coding strand, the complement: JAG2 is on the minus strand). VCF-style: chr14-105148403-C-T. GRCh37 (hg19) VCF-style: chr14-105614740-C-T.
Other names: p.Arg686His; c.1943G>A, p.Arg648His (NM_145159.3); short protein forms R686H, R648H.
Identifiers: ClinVar variation 2408752 (VCV002408752.4), dbSNP rs199665255, ClinGen allele CA7385746.
Genomic context (GRCh38, chr14:105,148,403, plus strand): 5'-CCCTTCCAGCCGTCGTCGCACGCACAGTAGAAGTCATTGACCAGGTCGTAGCAGCGGCCG[C>T]GGCTGTGGCAGGGATCGGGAAGGCAGTCGTTGGGATCTGGGGGCGAGGACGCCGGTCAGC-3'
Protein context (NP_002217.3, residues 676-696): NDCLPDPCHS[Arg686His]GRCYDLVNDF

ClinVar aggregate classification (germline): Uncertain significance. Review status: criteria provided, multiple submitters, no conflicts (2 of 4 stars). 2 submissions from 2 submitters: Uncertain significance (2). Last evaluated 2025-10-30.

Allele frequency attached by ClinVar (database versions not stated): 1000 Genomes Project 30x 0.00016; gnomAD 0.00007; TOPMed 0.00011; ExAC 0.00004; 1000 Genomes Project 0.00020.
gnomAD v4.1: 78 of 1,612,074 alleles (0.0048%); highest among the groups gnomAD compares: African/African-American, 0.02%; no homozygotes.

Submissions (2):

Mayo Clinic Laboratories, Mayo Clinic
Classification: Uncertain significance. Last evaluated: 2025-10-30. Review status: criteria provided, single submitter. Criteria: ACMG Guidelines, 2015. Collection method: clinical testing. Allele origin: germline. Observed: 1 variant allele.
Comment: PM2_supporting

Ambry Genetics
Classification: Uncertain significance. Last evaluated: 2024-05-15. Review status: criteria provided, single submitter. Criteria: Ambry Variant Classification Scheme 2023. Collection method: clinical testing. Allele origin: germline.